The following is an entry in ClinVar:

NM_006129.5(BMP1):c.2724C>T (p.Thr908=)

Gene: BMP1 (bone morphogenetic protein 1; plus strand). Cytogenetic location: 8p21.3.
Variant type: single nucleotide variant.
Coding change: c.2724C>T on transcript NM_006129.5 (MANE Select); coding-DNA position 2724, C replaced by T.
Protein change: p.Thr908=; no amino-acid change (threonine 908 retained).
Molecular consequence: synonymous variant. On other transcripts: non-coding transcript variant (1).
Genome position (GRCh38, 1-based): chr8:22,209,593, C>T. VCF-style: chr8-22209593-C-T. GRCh37 (hg19) VCF-style: chr8-22067106-C-T.
Identifiers: ClinVar variation 362604 (VCV000362604.21), dbSNP rs140092629, ClinGen allele CA4665345.

ClinVar aggregate classification (germline): Conflicting classifications of pathogenicity. Review status: criteria provided, conflicting classifications (1 of 4 stars). 6 submissions from 6 submitters: Uncertain significance (2); Likely benign (4). Last evaluated 2026-02-06.

Conditions:
BMP1-related disorder. Also called: BMP1-related condition.
Osteogenesis imperfecta type 13. Also called: Osteogenesis imperfecta, type xiii; OI, TYPE XIII. Identifiers: Orphanet 666, MedGen C3553887, MONDO:0013924, OMIM 614856.
Osteogenesis imperfecta (OI). Identifiers: Orphanet 666, MedGen C0029434, MeSH D010013, MONDO:0019019.

Allele frequency attached by ClinVar (database versions not stated): ExAC 0.00057; 1000 Genomes Project 0.00060; TOPMed 0.00063; ESP Exome Variant Server 0.00077; 1000 Genomes Project 30x 0.00094.
gnomAD v4.1: 1,657 of 1,614,210 alleles (0.1%); highest among the groups gnomAD compares: Non-Finnish European, 0.14%; 2 homozygotes.

Submissions (6):

PreventionGenetics, part of Exact Sciences
Classification: Likely benign for BMP1-related condition. Last evaluated: 2026-02-06. Review status: criteria provided, single submitter. Criteria: ACMG Guidelines, 2015. Collection method: clinical testing. Allele origin: germline.
Comment: This variant is classified as likely benign based on ACMG/AMP sequence variant interpretation guidelines (Richards et al. 2015 PMID: 25741868, with internal and published modifications).

Labcorp Genetics (formerly Invitae), Labcorp
Classification: Likely benign. Last evaluated: 2026-01-24. Review status: criteria provided, single submitter. Criteria: Invitae Variant Classification Sherloc (09022015). Collection method: clinical testing. Allele origin: germline.

Blueprint Genetics
Classification: Likely benign. Last evaluated: 2024-10-25. Review status: criteria provided, single submitter. Criteria: ACMG Guidelines, 2015. Collection method: clinical testing. Allele origin: germline.

Genome Diagnostics Laboratory, The Hospital for Sick Children
Classification: Uncertain significance for Osteogenesis imperfecta. Last evaluated: 2020-02-01. Review status: criteria provided, single submitter. Criteria: ACMG Guidelines, 2015. Collection method: clinical testing. Allele origin: germline.

GeneDx
Classification: Likely benign. Last evaluated: 2018-10-19. Review status: criteria provided, single submitter. Criteria: GeneDx Variant Classification Process June 2021. Collection method: clinical testing. Allele origin: germline. Affected: yes.

Illumina Laboratory Services, Illumina
Classification: Uncertain significance for Osteogenesis imperfecta type 13. Last evaluated: 2018-01-13. Review status: criteria provided, single submitter. Criteria: ICSL Variant Classification Criteria 13 December 2019. Collection method: clinical testing. Allele origin: germline.